The following is an entry in ClinVar:

NM_001377.3(DYNC2H1):c.7470T>A (p.Ser2490Arg)

Gene: DYNC2H1 (dynein cytoplasmic 2 heavy chain 1; plus strand). Cytogenetic location: 11q22.3.
Variant type: single nucleotide variant.
Coding change: c.7470T>A on transcript NM_001377.3 (MANE Select); coding-DNA position 7470, T replaced by A.
Protein change: p.Ser2490Arg; replaces serine 2490 with arginine.
Molecular consequence: missense variant.
Genome position (GRCh38, 1-based): chr11:103,191,549, T>A. VCF-style: chr11-103191549-T-A. GRCh37 (hg19) VCF-style: chr11-103062278-T-A.
Other names: c.7470T>A, p.Ser2490Arg (NM_001080463.2); short protein forms S2490R.
Identifiers: ClinVar variation 4800501 (VCV004800501.1).

ClinVar aggregate classification (germline): Uncertain significance (1 of 4 stars; one submission).

Conditions:
Jeune thoracic dystrophy. Also called: Short-rib thoracic dysplasia; Jeune syndrome; Infantile thoracic dystrophy; Thoracic pelvic phalangeal dystrophy; Jeune's syndrome; Chondroectodermal dysplasia-like syndrome. Identifiers: Orphanet 474, MedGen C0265275, MONDO:0018770.

Submission:

Labcorp Genetics (formerly Invitae), Labcorp
Classification: Uncertain significance for Jeune thoracic dystrophy. Last evaluated: 2025-12-11. Review status: criteria provided, single submitter. Criteria: Invitae Variant Classification Sherloc (09022015). Collection method: clinical testing. Allele origin: germline.
Comment: This sequence change replaces serine, which is neutral and polar, with arginine, which is basic and polar, at codon 2490 of the DYNC2H1 protein (p.Ser2490Arg). This variant is not present in population databases (gnomAD no frequency). This variant has not been reported in the literature in individuals affected with DYNC2H1-related conditions. Invitae Evidence Modeling of protein sequence and biophysical properties (such as structural, functional, and spatial information, amino acid conservation, physicochemical variation, residue mobility, and thermodynamic stability) indicates that this missense variant is not expected to disrupt DYNC2H1 protein function with a negative predictive value of 95%. In summary, the available evidence is currently insufficient to determine the role of this variant in disease. Therefore, it has been classified as a Variant of Uncertain Significance.